The following is an entry in ClinVar:

ClinVar aggregate classification (germline): Uncertain significance (1 of 4 stars; one submission).

Conditions:
Bardet-Biedl syndrome (BBS). Identifiers: Orphanet 110, MedGen C0752166, MONDO:0015229.

Allele frequency attached by ClinVar (database versions not stated): gnomAD exomes below 0.00001.
gnomAD v4.1: 1 of 1,614,260 alleles (0.000062%); highest among the groups gnomAD compares: Admixed American, 0.0017%; no homozygotes.

Submission:

Labcorp Genetics (formerly Invitae), Labcorp
Classification: Uncertain significance for Bardet-Biedl syndrome. Last evaluated: 2022-08-09. Review status: criteria provided, single submitter. Criteria: Invitae Variant Classification Sherloc (09022015). Collection method: clinical testing. Allele origin: germline.
Comment: This variant is not present in population databases (gnomAD no frequency). This sequence change replaces glutamine, which is neutral and polar, with proline, which is neutral and non-polar, at codon 253 of the BBS12 protein (p.Gln253Pro). Algorithms developed to predict the effect of missense changes on protein structure and function output the following: SIFT: "Tolerated"; PolyPhen-2: "Benign"; Align-GVGD: "Class C0". The proline amino acid residue is found in multiple mammalian species, which suggests that this missense change does not adversely affect protein function. This variant has not been reported in the literature in individuals affected with BBS12-related conditions. In summary, the available evidence is currently insufficient to determine the role of this variant in disease. Therefore, it has been classified as a Variant of Uncertain Significance.

NM_152618.3(BBS12):c.758A>C (p.Gln253Pro)

Gene: BBS12 (Bardet-Biedl syndrome 12; plus strand). Cytogenetic location: 4q27.
Variant type: single nucleotide variant.
Coding change: c.758A>C on transcript NM_152618.3 (MANE Select); coding-DNA position 758, A replaced by C.
Protein change: p.Gln253Pro; replaces glutamine 253 with proline.
Molecular consequence: missense variant.
Genome position (GRCh38, 1-based): chr4:122,742,650, A>C. VCF-style: chr4-122742650-A-C. GRCh37 (hg19) VCF-style: chr4-123663805-A-C.
Other names: c.758A>C, p.Gln253Pro (NM_001178007.2); short protein forms Q253P.
Identifiers: ClinVar variation 2042453 (VCV002042453.4), dbSNP rs1340484634, ClinGen allele CA358223632.